The following is an entry in ClinVar:

ClinVar aggregate classification (germline): Pathogenic. Review status: criteria provided, multiple submitters, no conflicts (2 of 4 stars). 2 submissions from 2 submitters: Pathogenic (2). Last evaluated 2025-05-18.

Conditions:
Multiple congenital exostosis (EXT). Also called: Multiple osteochondromas; Multiple exostoses; Hereditary multiple exostoses; Hereditary multiple exostosis; MULTIPLE CARTILAGINOUS EXOSTOSES; Hereditary multiple osteochondromas. Identifiers: Orphanet 321, MedGen C0015306, MONDO:0005508, HP:0002762.

Submissions (2):

Labcorp Genetics (formerly Invitae), Labcorp
Classification: Pathogenic for Multiple congenital exostosis. Last evaluated: 2025-05-18. Review status: criteria provided, single submitter. Criteria: Invitae Variant Classification Sherloc (09022015). Collection method: clinical testing. Allele origin: germline.
Comment: This sequence change creates a premature translational stop signal (p.Trp364*) in the EXT1 gene. It is expected to result in an absent or disrupted protein product. Loss-of-function variants in EXT1 are known to be pathogenic (PMID: 10679937, 11391482, 19810120). This variant is not present in population databases (gnomAD no frequency). This variant has not been reported in the literature in individuals affected with EXT1-related conditions. ClinVar contains an entry for this variant (Variation ID: 488828). Algorithms developed to predict the effect of sequence changes on RNA splicing suggest that this variant may disrupt the consensus splice site. For these reasons, this variant has been classified as Pathogenic.

GeneDx
Classification: Pathogenic. Last evaluated: 2021-04-22. Review status: criteria provided, single submitter. Criteria: GeneDx Variant Classification Process June 2021. Collection method: clinical testing. Allele origin: germline. Affected: yes.
Comment: Nonsense variant predicted to result in protein truncation or nonsense mediated decay in a gene for which loss-of-function is a known mechanism of disease; Not observed in large population cohorts (Lek et al., 2016); This variant is associated with the following publications: (PMID: 25525159, 19810120)

Literature cited by the submitters: PubMed 10679937 (cited by Labcorp Genetics (formerly Invitae), Labcorp); PubMed 11391482 (cited by Labcorp Genetics (formerly Invitae), Labcorp); PubMed 19810120 (cited by Labcorp Genetics (formerly Invitae), Labcorp).

NM_000127.3(EXT1):c.1092G>A (p.Trp364Ter)

Gene: EXT1 (exostosin glycosyltransferase 1; minus strand). Cytogenetic location: 8q24.11.
Variant type: single nucleotide variant.
Coding change: c.1092G>A on transcript NM_000127.3 (MANE Select); coding-DNA position 1092, G replaced by A.
Protein change: p.Trp364Ter; replaces tryptophan 364 with a stop codon.
Molecular consequence: nonsense.
Genome position (GRCh38, 1-based): chr8:117,835,516, C>T on the plus strand (G>A on the coding strand, the complement: EXT1 is on the minus strand). VCF-style: chr8-117835516-C-T. GRCh37 (hg19) VCF-style: chr8-118847755-C-T.
Other names: short protein forms W364*.
Identifiers: ClinVar variation 488828 (VCV000488828.4), dbSNP rs1554580035, ClinGen allele CA371892557.